The following is an entry in ClinVar:

NM_022841.7(RFX7):c.1586C>T (p.Ala529Val)

Gene: RFX7 (regulatory factor X7; minus strand). Cytogenetic location: 15q21.3.
Variant type: single nucleotide variant.
Coding change: c.1586C>T on transcript NM_022841.7 (MANE Select); coding-DNA position 1586, C replaced by T.
Protein change: p.Ala529Val; replaces alanine 529 with valine.
Molecular consequence: missense variant.
Genome position (GRCh38, 1-based): chr15:56,096,142, G>A on the plus strand (C>T on the coding strand, the complement: RFX7 is on the minus strand). VCF-style: chr15-56096142-G-A. GRCh37 (hg19) VCF-style: chr15-56388340-G-A.
Other names: c.1295C>T, p.Ala432Val (NM_001368073.2, NM_001368074.1, NM_001370554.1); c.1586C>T, p.Ala529Val (NM_001370561.1); short protein forms A529V, A432V.
Identifiers: ClinVar variation 2493337 (VCV002493337.6), dbSNP rs1375597796, ClinGen allele CA392583056.

ClinVar aggregate classification (germline): Conflicting classifications of pathogenicity. Review status: criteria provided, conflicting classifications (1 of 4 stars). 2 submissions from 2 submitters: Uncertain significance (1); Likely benign (1). Last evaluated 2026-01-01.

Conditions:
Inborn genetic diseases. Identifiers: MedGen C0950123, MeSH D030342.

Allele frequency attached by ClinVar (database versions not stated): gnomAD exomes below 0.00001; TOPMed below 0.00001.
gnomAD v4.1: 5 of 1,613,748 alleles (0.00031%); highest among the groups gnomAD compares: Non-Finnish European, 0.00042%; no homozygotes.

Submissions (2):

CeGaT Center for Human Genetics Tuebingen
Classification: Likely benign. Last evaluated: 2026-01-01. Review status: criteria provided, single submitter. Criteria: CeGaT Center For Human Genetics Tuebingen Variant Classification Criteria Version 2. Collection method: clinical testing. Allele origin: germline. Affected: yes. Observed: 1 variant allele.
Comment: RFX7: BP4

Ambry Genetics
Classification: Uncertain significance for Inborn genetic diseases. Last evaluated: 2023-03-02. Review status: criteria provided, single submitter. Criteria: Ambry Variant Classification Scheme 2023. Collection method: clinical testing. Allele origin: germline.